The following is an entry in ClinVar:

NM_003954.5(MAP3K14):c.844T>C (p.Ser282Pro)

Gene: MAP3K14 (mitogen-activated protein kinase kinase kinase 14; minus strand). Cytogenetic location: 17q21.31.
Variant type: single nucleotide variant.
Coding change: c.844T>C on transcript NM_003954.5 (MANE Select); coding-DNA position 844, T replaced by C.
Protein change: p.Ser282Pro; replaces serine 282 with proline.
Molecular consequence: missense variant.
Genome position (GRCh38, 1-based): chr17:45,286,739, A>G on the plus strand (T>C on the coding strand, the complement: MAP3K14 is on the minus strand). VCF-style: chr17-45286739-A-G. GRCh37 (hg19) VCF-style: chr17-43364106-A-G.
Other names: short protein forms S282P.
Identifiers: ClinVar variation 860224 (VCV000860224.9), dbSNP rs1375874603, ClinGen allele CA399888446.
Genomic context (GRCh38, chr17:45,286,739, plus strand): 5'-TCAGGTGTGGGTCAGGCAAGGGTTTCTGGCTGTCTACACAGGCCAGTTTGCCCAGGAAGG[A>G]CTCCAGAGGGTGAGGTTTCCAGGGCTGGAGAGGGTGGAATGGGAAGGGATGAGGCAGTCT-3'
Protein context (NP_003945.2, residues 272-292): LQPWKPHPLE[Ser282Pro]FLGKLACVDS

ClinVar aggregate classification (germline): Uncertain significance (1 of 4 stars; one submission).

Conditions:
NIK deficiency. Also called: Primary immunodeficiency with multifaceted aberrant lymphoid immunity. Identifiers: Orphanet 447731, MedGen C5680065, MONDO:0018642.

Submission:

Labcorp Genetics (formerly Invitae), Labcorp
Classification: Uncertain significance for NIK deficiency. Last evaluated: 2023-02-14. Review status: criteria provided, single submitter. Criteria: Invitae Variant Classification Sherloc (09022015). Collection method: clinical testing. Allele origin: germline.
Comment: This variant has not been reported in the literature in individuals affected with MAP3K14-related conditions. This variant is not present in population databases (gnomAD no frequency). This sequence change replaces serine, which is neutral and polar, with proline, which is neutral and non-polar, at codon 282 of the MAP3K14 protein (p.Ser282Pro). ClinVar contains an entry for this variant (Variation ID: 860224). In summary, the available evidence is currently insufficient to determine the role of this variant in disease. Therefore, it has been classified as a Variant of Uncertain Significance. Experimental studies and prediction algorithms are not available or were not evaluated, and the functional significance of this variant is currently unknown.